The following is an entry in ClinVar:

NM_001267550.2(TTN):c.79969G>T (p.Asp26657Tyr)

Genes: TTN-AS1 (TTN antisense RNA 1; plus strand), TTN (titin; minus strand). Cytogenetic location: 2q31.2.
Variant type: single nucleotide variant.
Coding change: c.79969G>T on transcript NM_001267550.2 (MANE Select); coding-DNA position 79969, G replaced by T.
Protein change: p.Asp26657Tyr; replaces aspartic acid 26657 with tyrosine.
Molecular consequence: missense variant.
Genome position (GRCh38, 1-based): chr2:178,566,163, C>A on the plus strand (G>T on the coding strand, the complement: TTN is on the minus strand). VCF-style: chr2-178566163-C-A. GRCh37 (hg19) VCF-style: chr2-179430890-C-A.
Other names: c.75046G>T, p.Asp25016Tyr (NM_001256850.1); c.52774G>T, p.Asp17592Tyr (NM_003319.4); c.72265G>T, p.Asp24089Tyr (NM_133378.4); c.53149G>T, p.Asp17717Tyr (NM_133432.3); c.53350G>T, p.Asp17784Tyr (NM_133437.4); short protein forms D26657Y, D24089Y, D17592Y, D25016Y, D17784Y, D17717Y.
Identifiers: ClinVar variation 238847 (VCV000238847.12), dbSNP rs781076407, ClinGen allele CA1989411.

ClinVar aggregate classification (germline): Uncertain significance. Review status: criteria provided, multiple submitters, no conflicts (2 of 4 stars). 6 submissions from 6 submitters: Uncertain significance (6). Last evaluated 2026-08-06.

Conditions:
TTN-related disorder. Also called: TTN-related condition; TTN-related disease; TTN-related disorders.
Cardiovascular phenotype. Identifiers: MedGen CN230736.
Autosomal recessive limb-girdle muscular dystrophy type 2J (LGMDR10). Also called: MUSCULAR DYSTROPHY, LIMB-GIRDLE, AUTOSOMAL RECESSIVE 10; Limb-girdle muscular dystrophy, type 2J. Identifiers: Orphanet 140922, MedGen C1837342, MONDO:0012127, OMIM 608807.
Dilated cardiomyopathy 1G (CMD1G). Identifiers: Orphanet 154, MedGen C1858763, MONDO:0011400, OMIM 604145.
Hypertrophic cardiomyopathy 9. Also called: Familial hypertrophic cardiomyopathy 9. Identifiers: MedGen C1861065, MONDO:0013412, OMIM 613765.
Early-onset myopathy with fatal cardiomyopathy (CMYO5). Also called: CONGENITAL MYOPATHY 5 WITH CARDIOMYOPATHY; Salih Myopathy. Identifiers: Orphanet 289377, MedGen C2673677, MONDO:0012714, OMIM 611705. Disease mechanism: loss of function.
Myopathy, myofibrillar, 9, with early respiratory failure (MFM9). Also called: Myopathy, distal, with early respiratory failure, autosomal dominant; EDSTROM MYOPATHY; MYOPATHY, PROXIMAL, WITH EARLY RESPIRATORY MUSCLE INVOLVEMENT; Hereditary myopathy with early respiratory failure. Identifiers: Orphanet 178464, Orphanet 34521, MedGen C1863599, MONDO:0011362, OMIM 603689.
Tibial muscular dystrophy (TMD). Also called: Tibial muscular dystrophy, tardive; UDD MYOPATHY; Udd Distal Myopathy – Tibial Muscular Dystrophy. Identifiers: Orphanet 609, MedGen C1838244, MONDO:0010870, OMIM 600334.

Allele frequency attached by ClinVar (database versions not stated): gnomAD exomes below 0.00001 and 0.00001; ExAC 0.00001; TOPMed 0.00002; gnomAD 0.00003 and 0.00004.
gnomAD v4.1: 25 of 1,613,550 alleles (0.0015%); highest among the groups gnomAD compares: Non-Finnish European, 0.0019%; no homozygotes.

Submissions (6):

PreventionGenetics, part of Exact Sciences
Classification: Uncertain significance for TTN-related condition. Last evaluated: 2026-08-06. Review status: criteria provided, single submitter. Criteria: ACMG Guidelines, 2015. Collection method: clinical testing. Allele origin: germline.
Comment: The TTN c.79969G>T variant is predicted to result in the amino acid substitution p.Asp26657Tyr. To our knowledge, this variant has not been reported in the literature. This variant is reported in 0.00089% of alleles in individuals of European (Non-Finnish) descent in gnomAD. At this time, the clinical significance of this variant is uncertain due to the absence of conclusive functional and genetic evidence.

AiLife Diagnostics
Classification: Uncertain significance. Last evaluated: 2022-02-02. Review status: criteria provided, single submitter. Criteria: ACMG Guidelines, 2015. Collection method: clinical testing. Allele origin: germline. Affected: yes. Observed: 1 variant allele.

Fulgent Genetics
Classification: Uncertain significance for Tibial muscular dystrophy; Myopathy, myofibrillar, 9, with early respiratory failure; Dilated cardiomyopathy 1G; Autosomal recessive limb-girdle muscular dystrophy type 2J; Early-onset myopathy with fatal cardiomyopathy; Hypertrophic cardiomyopathy 9. Last evaluated: 2021-09-13. Review status: criteria provided, single submitter. Criteria: ACMG Guidelines, 2015. Collection method: clinical testing. Allele origin: unknown.

Ambry Genetics
Classification: Uncertain significance for Cardiovascular phenotype. Last evaluated: 2020-06-10. Review status: criteria provided, single submitter. Criteria: Ambry Variant Classification Scheme 2023. Collection method: clinical testing. Allele origin: germline.
Comment: The p.D17592Y variant (also known as c.52774G>T), located in coding exon 153 of the TTN gene, results from a G to T substitution at nucleotide position 52774. The aspartic acid at codon 17592 is replaced by tyrosine, an amino acid with highly dissimilar properties. This amino acid position is highly conserved in available vertebrate species. In addition, the in silico prediction for this alteration is inconclusive. Since supporting evidence is limited at this time, the clinical significance of this alteration remains unclear.

Eurofins Ntd Llc (ga)
Classification: Uncertain significance. Last evaluated: 2016-09-06. Review status: criteria provided, single submitter. Criteria: EGL Classification Definitions 2015. Collection method: clinical testing. Allele origin: germline. Observed: 1 variant allele, 1 heterozygote.

Labcorp Genetics (formerly Invitae), Labcorp
Classification: Uncertain significance for Dilated cardiomyopathy 1G; Autosomal recessive limb-girdle muscular dystrophy type 2J. Last evaluated: 2016-02-06. Review status: criteria provided, single submitter. Criteria: Invitae Variant Classification Sherloc (09022015). Collection method: clinical testing. Allele origin: germline.